The following is an entry in ClinVar:

NM_181703.4(GJA5):c.908G>A (p.Gly303Asp)

Gene: GJA5 (gap junction protein alpha 5; minus strand). Cytogenetic location: 1q21.2.
Variant type: single nucleotide variant.
Coding change: c.908G>A on transcript NM_181703.4 (MANE Select); coding-DNA position 908, G replaced by A.
Protein change: p.Gly303Asp; replaces glycine 303 with aspartic acid.
Molecular consequence: missense variant.
Genome position (GRCh38, 1-based): chr1:147,758,331, C>T on the plus strand (G>A on the coding strand, the complement: GJA5 is on the minus strand). VCF-style: chr1-147758331-C-T. GRCh37 (hg19) VCF-style: chr1-147230439-C-T.
Other names: c.908G>A, p.Gly303Asp (NM_005266.7); short protein forms G303D.
Identifiers: ClinVar variation 2050298 (VCV002050298.4), dbSNP rs1663824896, ClinGen allele CA342394089.

ClinVar aggregate classification (germline): Uncertain significance (1 of 4 stars; one submission).

Conditions:
Atrial fibrillation, familial, 11 (ATFB11). Identifiers: MedGen C3279693, MONDO:0013544, OMIM 614049.
Atrial standstill 1 (ATRST1). Also called: Atrial standstill, digenic (GJA5/SCN5A); ATRIAL CARDIOMYOPATHY WITH HEART BLOCK; CARDIOMYOPATHY, FAMILIAL, WITH CONDUCTION DISTURBANCE. Identifiers: Orphanet 1344, MedGen C4551959, MONDO:0007171, OMIM 108770.

Allele frequency attached by ClinVar (database versions not stated): gnomAD exomes below 0.00001.
gnomAD v4.1: 1 of 1,614,172 alleles (0.000062%); highest among the groups gnomAD compares: Non-Finnish European, 0.000085%; no homozygotes.

Submission:

Labcorp Genetics (formerly Invitae), Labcorp
Classification: Uncertain significance for Atrial fibrillation, familial, 11; Atrial standstill 1. Last evaluated: 2022-06-09. Review status: criteria provided, single submitter. Criteria: Invitae Variant Classification Sherloc (09022015). Collection method: clinical testing. Allele origin: germline.
Comment: In summary, the available evidence is currently insufficient to determine the role of this variant in disease. Therefore, it has been classified as a Variant of Uncertain Significance. Algorithms developed to predict the effect of missense changes on protein structure and function output the following: SIFT: "Tolerated"; PolyPhen-2: "Benign"; Align-GVGD: "Class C0". The aspartic acid amino acid residue is found in multiple mammalian species, which suggests that this missense change does not adversely affect protein function. This variant has not been reported in the literature in individuals affected with GJA5-related conditions. This variant is not present in population databases (gnomAD no frequency). This sequence change replaces glycine, which is neutral and non-polar, with aspartic acid, which is acidic and polar, at codon 303 of the GJA5 protein (p.Gly303Asp).